The following is an entry in ClinVar:

NM_001256545.2(MEGF10):c.-19+8927A>T

Gene: MEGF10 (multiple EGF like domains 10; plus strand). Cytogenetic location: 5q23.2.
Variant type: single nucleotide variant.
Coding change: c.-19+8927A>T on transcript NM_001256545.2 (MANE Select); 8927 bases into the intron after 19 bases upstream of the start codon, A replaced by T.
Molecular consequence: intron variant.
Genome position (GRCh38, 1-based): chr5:127,299,983, A>T. VCF-style: chr5-127299983-A-T. GRCh37 (hg19) VCF-style: chr5-126635675-A-T.
Other names: c.-69-13A>T (NM_032446.3, NM_001308119.2); c.-19+8927A>T (NM_001308121.2).
Identifiers: ClinVar variation 669208 (VCV000669208.1), dbSNP rs573144174, ClinGen allele CA127480304.
Genomic context (GRCh38, chr5:127,299,983, plus strand): 5'-GGGCAATATGTGATTTGCTTGAGGTCACTTAGAGCTCCTAGTAATTATGTCTGTCATTGT[A>T]CCTTGATTATAGATTATCATTGCAAATCCATTAAAGAAGGAGAAGCAAGCGGATTTCAGA-3'

ClinVar aggregate classification (germline): Likely benign (1 of 4 stars; one submission).

Allele frequency attached by ClinVar (database versions not stated): gnomAD 0.00054 and 0.00051; TOPMed 0.00058; 1000 Genomes Project 0.00020; 1000 Genomes Project 30x 0.00031.
gnomAD v4.1: 76 of 152,246 alleles (0.05%); highest among the groups gnomAD compares: African/African-American, 0.18%; no homozygotes.

Submission:

GeneDx
Classification: Likely benign. Last evaluated: 2018-06-05. Review status: criteria provided, single submitter. Criteria: GeneDx Variant Classification (06012015). Collection method: clinical testing. Allele origin: germline. Affected: yes.
Comment: This variant is considered likely benign or benign based on one or more of the following criteria: it is a conservative change, it occurs at a poorly conserved position in the protein, it is predicted to be benign by multiple in silico algorithms, and/or has population frequency not consistent with disease.